The following is an entry in ClinVar:

ClinVar aggregate classification (germline): Uncertain significance (1 of 4 stars; one submission).

Allele frequency attached by ClinVar (database versions not stated): gnomAD exomes below 0.00001.
gnomAD v4.1: 3 of 1,613,812 alleles (0.00019%); highest among the groups gnomAD compares: South Asian, 0.0011%; no homozygotes.

Submission:

GeneDx
Classification: Uncertain significance. Last evaluated: 2021-12-30. Review status: criteria provided, single submitter. Criteria: GeneDx Variant Classification Process June 2021. Collection method: clinical testing. Allele origin: germline. Affected: yes.
Comment: Not observed at significant frequency in large population cohorts (gnomAD); In silico analysis supports that this missense variant has a deleterious effect on protein structure/function; Has not been previously published as pathogenic or benign to our knowledge

NM_020632.3(ATP6V0A4):c.1618A>G (p.Lys540Glu)

Gene: ATP6V0A4 (ATPase H+ transporting V0 subunit a4; minus strand). Cytogenetic location: 7q34.
Variant type: single nucleotide variant.
Coding change: c.1618A>G on transcript NM_020632.3 (MANE Select); coding-DNA position 1618, A replaced by G.
Protein change: p.Lys540Glu; replaces lysine 540 with glutamic acid.
Molecular consequence: missense variant.
Genome position (GRCh38, 1-based): chr7:138,734,209, T>C on the plus strand (A>G on the coding strand, the complement: ATP6V0A4 is on the minus strand). VCF-style: chr7-138734209-T-C. GRCh37 (hg19) VCF-style: chr7-138418954-T-C.
Other names: c.1618A>G, p.Lys540Glu (NM_130840.3, NM_130841.3); short protein forms K540E.
Identifiers: ClinVar variation 1693442 (VCV001693442.2), dbSNP rs2117242912, ClinGen allele CA369379803.